The following is an entry in ClinVar:

ClinVar aggregate classification (germline): Uncertain significance. Review status: criteria provided, multiple submitters, no conflicts (2 of 4 stars). 5 submissions from 5 submitters: Uncertain significance (4). 1 of the submissions does not count toward it. Last evaluated 2025-03-10.

Conditions:
Inborn genetic diseases. Identifiers: MedGen C0950123, MeSH D030342.

Allele frequency attached by ClinVar (database versions not stated): 1000 Genomes Project 0.00020; gnomAD 0.00008; ExAC 0.00010; TOPMed 0.00010; gnomAD exomes 0.00012; 1000 Genomes Project 30x 0.00016.
gnomAD v4.1: 164 of 1,614,038 alleles (0.01%); highest among the groups gnomAD compares: Middle Eastern, 0.082%; no homozygotes.

Submissions (5):

Labcorp Genetics (formerly Invitae), Labcorp
Classification: Uncertain significance. Last evaluated: 2025-03-10. Review status: criteria provided, single submitter. Criteria: Invitae Variant Classification Sherloc (09022015). Collection method: clinical testing. Allele origin: germline.
Comment: This sequence change replaces serine, which is neutral and polar, with arginine, which is basic and polar, at codon 209 of the ALX4 protein (p.Ser209Arg). This variant is present in population databases (rs568863681, gnomAD 0.02%). This variant has not been reported in the literature in individuals affected with ALX4-related conditions. ClinVar contains an entry for this variant (Variation ID: 1048986). An algorithm developed to predict the effect of missense changes on protein structure and function (PolyPhen-2) suggests that this variant is likely to be disruptive. In summary, the available evidence is currently insufficient to determine the role of this variant in disease. Therefore, it has been classified as a Variant of Uncertain Significance.

GeneDx
Classification: Uncertain significance. Last evaluated: 2024-02-06. Review status: criteria provided, single submitter. Criteria: GeneDx Variant Classification Process June 2021. Collection method: clinical testing. Allele origin: germline. Affected: yes.
Comment: Identified in a patient from a cohort of individuals with genitourinary anomalies in published literature (PMID: 32385972); In silico analysis supports that this missense variant does not alter protein structure/function; This variant is associated with the following publications: (PMID: 32385972)

CeGaT Center for Human Genetics Tuebingen
Classification: Uncertain significance. Last evaluated: 2023-11-01. Review status: criteria provided, single submitter. Criteria: CeGaT Center For Human Genetics Tuebingen Variant Classification Criteria Version 2. Collection method: clinical testing. Allele origin: germline. Affected: yes. Observed: 1 variant allele.
Comment: ALX4: PP3

Ambry Genetics
Classification: Uncertain significance for Inborn genetic diseases. Last evaluated: 2021-06-21. Review status: criteria provided, single submitter. Criteria: Ambry Variant Classification Scheme 2023. Collection method: clinical testing. Allele origin: germline.

Department of Pathology and Laboratory Medicine, Sinai Health System
Classification: Uncertain significance. Review status: no assertion criteria provided. Collection method: clinical testing. Allele origin: unknown. Affected: yes. Study: The Canadian Open Genetics Repository (COGR). Not counted in ClinVar's aggregate classification.
Comment: The ALX4 p.Ser209Arg variant was not identified in the literature nor was it identified in ClinVar, Cosmic or LOVD 3.0. The variant was identified in dbSNP (ID: rs568863681) and was found in control databases in 32 of 282858 chromosomes at a frequency of 0.000113 (Genome Aggregation Database Feb 27, 2017). The variant was observed in the following populations: European (non-Finnish) in 28 of 129170 chromosomes (freq: 0.000217), Other in 1 of 7228 chromosomes (freq: 0.000138), Latino in 2 of 35436 chromosomes (freq: 0.000056) and South Asian in 1 of 30616 chromosomes (freq: 0.000033), while the variant was not observed in the African, Ashkenazi Jewish, East Asian and European (Finnish) populations. The variant occurs outside of the splicing consensus sequence and in silico or computational prediction software programs (SpliceSiteFinder, MaxEntScan, NNSPLICE, GeneSplicer) do not predict a difference in splicing. The p.Ser209 residue is conserved in mammals and computational analyses (PolyPhen-2, SIFT, AlignGVGD, BLOSUM, MutationTaster) provide inconsistent predictions regarding the impact to the protein; this information is not very predictive of pathogenicity. In summary, based on the above information the clinical significance of this variant cannot be determined with certainty at this time. This variant is classified as a variant of uncertain significance.

NM_021926.4(ALX4):c.627C>A (p.Ser209Arg)

Gene: ALX4 (ALX homeobox 4; minus strand). Cytogenetic location: 11p11.2.
Variant type: single nucleotide variant.
Coding change: c.627C>A on transcript NM_021926.4 (MANE Select); coding-DNA position 627, C replaced by A.
Protein change: p.Ser209Arg; replaces serine 209 with arginine.
Molecular consequence: missense variant.
Genome position (GRCh38, 1-based): chr11:44,275,498, G>T on the plus strand (C>A on the coding strand, the complement: ALX4 is on the minus strand). VCF-style: chr11-44275498-G-T. GRCh37 (hg19) VCF-style: chr11-44297048-G-T.
Other names: c.627C>A (NM_021926.3); short protein forms S209R.
Identifiers: ClinVar variation 1048986 (VCV001048986.28), dbSNP rs568863681, ClinGen allele CA5955688.
Genomic context (GRCh38, chr11:44,275,498, plus strand): 5'-CAGCTCCTCCAGCTGGTAGCTGGTGAAGGTGGTCCGGTTCCGCCGCTTCTTGCCCTTGTT[G>T]CTCTCTGAGTCGGCCTTCTCCAATGGGCTGGGGAGGTCTGAGCTGGCCCGGTCCTGGGGC-3'
Protein context (NP_068745.2, residues 199-219): PSPLEKADSE[Ser209Arg]NKGKKRRNRT